The following is an entry in ClinVar:

ClinVar aggregate classification (germline): Conflicting classifications of pathogenicity. Review status: criteria provided, conflicting classifications (1 of 4 stars). 6 submissions from 6 submitters: Pathogenic (1); Likely pathogenic (2); Uncertain significance (2). 1 of the submissions does not count toward it. Last evaluated 2026-01-29.

Conditions:
Citrullinemia. Identifiers: Orphanet 187, MedGen C0175683, MONDO:0015991.
SLC25A13-related disorder. Also called: SLC25A13-related condition.
Citrin deficiency. Identifiers: Orphanet 247582, MedGen C1997910, MONDO:0016602.
Citrullinemia, type II, adult-onset (CDAA). Also called: CITRIN DEFICIENCY, ADOLESCENT OR ADULT ONSET. Identifiers: Orphanet 247585, MedGen CN295299, MONDO:0011326, OMIM 603471.
Neonatal intrahepatic cholestasis due to citrin deficiency (CDNI). Also called: Neonatal-onset citrullinemia type II; Neonatal-onset citrullinemia type 2; CITRIN DEFICIENCY, NEONATAL OR INFANTILE ONSET; Neonatal Intrahepatic Cholestasis Caused by Citrin Deficiency (NICCD). Identifiers: Orphanet 247598, MedGen C1853942, MONDO:0011601, OMIM 605814.

Allele frequency attached by ClinVar (database versions not stated): TOPMed 0.00003; gnomAD 0.00001.
gnomAD v4.1: 47 of 1,613,932 alleles (0.0029%); highest among the groups gnomAD compares: Non-Finnish European, 0.004%; no homozygotes.

Submissions (6):

Natera, Inc.
Classification: Likely pathogenic for Citrullinemia. Last evaluated: 2026-01-29. Review status: criteria provided, single submitter. Criteria: Natera Variant Classification Schema (03/2026). Collection method: clinical testing. Allele origin: germline.
Comment: The c.1637C>G variant in SLC25A13 is a missense variant predicted to cause substitution of threonine to arginine at amino acid 546. This variant is rare in the general population with a frequency below the threshold expected for the associated phenotype(s). This variant has been observed in one or more individuals affected with the associated recessive disease, as either homozygous or compound heterozygous with a second variant (PMID: 19036621). A different variant at the same position has been determined to be Pathogenic or Likely Pathogenic. Computational prediction algorithms indicate this variant is likely to affect gene or protein function. Given the available evidence, this variant is classified as Likely Pathogenic.

Labcorp Genetics (formerly Invitae), Labcorp
Classification: Pathogenic for Citrin deficiency. Last evaluated: 2025-10-08. Review status: criteria provided, single submitter. Criteria: Invitae Variant Classification Sherloc (09022015). Collection method: clinical testing. Allele origin: germline.
Comment: This sequence change replaces threonine, which is neutral and polar, with arginine, which is basic and polar, at codon 546 of the SLC25A13 protein (p.Thr546Arg). This variant is present in population databases (rs548769905, gnomAD 0.0009%). This missense change has been observed in individual(s) with citrin deficiency (PMID: 19036621). ClinVar contains an entry for this variant (Variation ID: 1348003). Invitae Evidence Modeling of protein sequence and biophysical properties (such as structural, functional, and spatial information, amino acid conservation, physicochemical variation, residue mobility, and thermodynamic stability) indicates that this missense variant is expected to disrupt SLC25A13 protein function with a positive predictive value of 95%. This variant disrupts the p.Thr546 amino acid residue in SLC25A13. Other variant(s) that disrupt this residue have been determined to be pathogenic (PMID: 14680984, 18392553, 23053473). This suggests that this residue is clinically significant, and that variants that disrupt this residue are likely to be disease-causing. For these reasons, this variant has been classified as Pathogenic.

Baylor Genetics
Classification: Likely pathogenic for Citrullinemia, type II, adult-onset. Last evaluated: 2024-03-23. Review status: criteria provided, single submitter. Criteria: ACMG Guidelines, 2015. Collection method: clinical testing. Allele origin: unknown.

GeneDx
Classification: Uncertain significance. Last evaluated: 2022-07-25. Review status: criteria provided, single submitter. Criteria: GeneDx Variant Classification Process June 2021. Collection method: clinical testing. Allele origin: germline. Affected: yes.
Comment: In silico analysis supports that this missense variant has a deleterious effect on protein structure/function; Not observed at significant frequency in large population cohorts (gnomAD); Reported in a patient with citrin deficiency who also harbors a splice site variant in the SLC25A13 gene; however, segregation studies were not performed (Dimmock et al., 2009); This variant is associated with the following publications: (PMID: 19036621)

Fulgent Genetics
Classification: Uncertain significance for Citrullinemia, type II, adult-onset; Neonatal intrahepatic cholestasis due to citrin deficiency. Last evaluated: 2021-08-29. Review status: criteria provided, single submitter. Criteria: ACMG Guidelines, 2015. Collection method: clinical testing. Allele origin: unknown.

PreventionGenetics, part of Exact Sciences
Classification: Uncertain significance for SLC25A13-related condition. Last evaluated: 2024-02-27. Review status: no assertion criteria provided. Collection method: clinical testing. Allele origin: germline. Not counted in ClinVar's aggregate classification.
Comment: The SLC25A13 c.1637C>G variant is predicted to result in the amino acid substitution p.Thr546Arg. This variant has been reported in the compound heterozygous state with a SLC25A13 splice site variant (c.848+3A>C) in an individual with citrin deficiency (Table 1, Dimmock et al. 2009. PubMed ID: 19036621). This variant is reported in 0.00088% of alleles in individuals of European (Non-Finnish) descent in gnomAD. Another sequence variant affecting the same amino acid residue, p.Thr546Met, has been reported in the compound heterozygous state in an individual with citrin deficiency and is classified as likely pathogenic by multiple clinical labs in ClinVar, suggesting the p.Thr546 residue is important for protein function (Tabata et al. 2008. PubMed ID: 18392553). Taken together, we suspect that the p.Thr546Arg variant may be pathogenic. However, at this time, the clinical significance of this variant is uncertain due to the absence of conclusive functional and genetic evidence.

Literature cited by the submitters: PubMed 19036621 (cited by Natera, Inc. and Labcorp Genetics (formerly Invitae), Labcorp); PubMed 14680984 (cited by Labcorp Genetics (formerly Invitae), Labcorp); PubMed 18392553 (cited by Labcorp Genetics (formerly Invitae), Labcorp); PubMed 23053473 (cited by Labcorp Genetics (formerly Invitae), Labcorp).

NM_014251.3(SLC25A13):c.1637C>G (p.Thr546Arg)

Gene: SLC25A13 (solute carrier family 25 member 13; minus strand). Cytogenetic location: 7q21.3.
Variant type: single nucleotide variant.
Coding change: c.1637C>G on transcript NM_014251.3 (MANE Select); coding-DNA position 1637, C replaced by G.
Protein change: p.Thr546Arg; replaces threonine 546 with arginine.
Molecular consequence: missense variant. On other transcripts: non-coding transcript variant (1).
Genome position (GRCh38, 1-based): chr7:96,121,952, G>C on the plus strand (C>G on the coding strand, the complement: SLC25A13 is on the minus strand). VCF-style: chr7-96121952-G-C. GRCh37 (hg19) VCF-style: chr7-95751264-G-C.
Other names: c.1640C>G, p.Thr547Arg (NM_001160210.2); c.1637C>G (NM_014251.2); short protein forms T546R, T547R.
Identifiers: ClinVar variation 1348003 (VCV001348003.17), dbSNP rs548769905, ClinGen allele CA4352838.